The following is an entry in ClinVar:

ClinVar aggregate classification (germline): Likely benign. Review status: criteria provided, multiple submitters, no conflicts (2 of 4 stars). 3 submissions from 3 submitters: Likely benign (2). 1 of the submissions does not count toward it. Last evaluated 2025-04-08.

Conditions:
NDUFA10-related disorder. Also called: NDUFA10-related condition.

Allele frequency attached by ClinVar (database versions not stated): gnomAD exomes 0.00012; ExAC 0.00027; gnomAD 0.00048 and 0.00050; TOPMed 0.00049; 1000 Genomes Project 0.00100.

Submissions (4):

Labcorp Genetics (formerly Invitae), Labcorp
Classification: Likely benign. Last evaluated: 2025-04-08. Review status: criteria provided, single submitter. Criteria: Invitae Variant Classification Sherloc (09022015). Collection method: clinical testing. Allele origin: germline.

GeneDx
Classification: Likely benign. Last evaluated: 2015-10-05. Review status: criteria provided, single submitter. Criteria: GeneDx Variant Classification (06012015). Collection method: clinical testing. Allele origin: germline. Affected: yes.
Comment: This variant is considered likely benign or benign based on one or more of the following criteria: it is a conservative change, it occurs at a poorly conserved position in the protein, it is predicted to be benign by multiple in silico algorithms, and/or has population frequency not consistent with disease.

PreventionGenetics, part of Exact Sciences
Classification: Likely benign for NDUFA10-related condition. Last evaluated: 2023-12-15. Review status: no assertion criteria provided. Collection method: clinical testing. Allele origin: germline. Not counted in ClinVar's aggregate classification.
Comment: This variant is classified as likely benign based on ACMG/AMP sequence variant interpretation guidelines (Richards et al. 2015 PMID: 25741868, with internal and published modifications).

Dr. Peter K. Rogan Lab, Western University
No classification provided (evidence only). Condition: Malignant tumor of esophagus. Review status: no classification provided. Collection method: in vitro. Allele origin: not applicable. Functional consequence: retained intron. Not counted in ClinVar's aggregate classification.

NM_004544.4(NDUFA10):c.1000-5C>G

Gene: NDUFA10 (NADH:ubiquinone oxidoreductase subunit A10; minus strand). Cytogenetic location: 2q37.3.
Variant type: single nucleotide variant.
Coding change: c.1000-5C>G on transcript NM_004544.4 (MANE Select); 5 bases into the intron before coding-DNA position 1000, C replaced by G.
Molecular consequence: intron variant.
Genome position (GRCh38, 1-based): chr2:239,961,191, G>C on the plus strand (C>G on the coding strand, the complement: NDUFA10 is on the minus strand). VCF-style: chr2-239961191-G-C. GRCh37 (hg19) VCF-style: chr2-240900608-G-C.
Other names: c.891-5C>G (NM_001322020.2).
Identifiers: ClinVar variation 380672 (VCV000380672.8), dbSNP rs201255198, ClinGen allele CA2200634.
Genomic context (GRCh38, chr2:239,961,191, plus strand): 5'-ATCCACTTGTCTCCCACCTCGGTGTTGTACCCAGGGCTGTACTTGCGGCCCGGCAGCTGT[G>C]GGGGAAAAAGGCATTGGTGCATTCTGTTTAACGTGAATGAATGTTTCCCCAGCTCATAGT-3'